The following is an entry in ClinVar:

ClinVar aggregate classification (germline): Uncertain significance (1 of 4 stars; one submission).

Allele frequency attached by ClinVar (database versions not stated): gnomAD exomes below 0.00001.
gnomAD v4.1: 1 of 1,566,518 alleles (0.000064%); highest among the groups gnomAD compares: Non-Finnish European, 0.000087%; no homozygotes.

Submission:

Labcorp Genetics (formerly Invitae), Labcorp
Classification: Uncertain significance. Last evaluated: 2023-08-14. Review status: criteria provided, single submitter. Criteria: Invitae Variant Classification Sherloc (09022015). Collection method: clinical testing. Allele origin: germline.
Comment: In summary, the available evidence is currently insufficient to determine the role of this variant in disease. Therefore, it has been classified as a Variant of Uncertain Significance. An algorithm developed to predict the effect of missense changes on protein structure and function (PolyPhen-2) suggests that this variant is likely to be tolerated. This variant has not been reported in the literature in individuals affected with UPF2-related conditions. This variant is not present in population databases (gnomAD no frequency). This sequence change replaces glutamine, which is neutral and polar, with arginine, which is basic and polar, at codon 398 of the UPF2 protein (p.Gln398Arg).

NM_015542.4(UPF2):c.1193A>G (p.Gln398Arg)

Gene: UPF2 (UPF2 regulator of nonsense mediated mRNA decay; minus strand). Cytogenetic location: 10p14.
Variant type: single nucleotide variant.
Coding change: c.1193A>G on transcript NM_015542.4 (MANE Select); coding-DNA position 1193, A replaced by G.
Protein change: p.Gln398Arg; replaces glutamine 398 with arginine.
Molecular consequence: missense variant.
Genome position (GRCh38, 1-based): chr10:12,014,137, T>C on the plus strand (A>G on the coding strand, the complement: UPF2 is on the minus strand). VCF-style: chr10-12014137-T-C. GRCh37 (hg19) VCF-style: chr10-12056136-T-C.
Other names: c.1193A>G, p.Gln398Arg (NM_080599.3); short protein forms Q398R.
Identifiers: ClinVar variation 2752383 (VCV002752383.3), dbSNP rs2491345239, ClinGen allele CA376001409.
Genomic context (GRCh38, chr10:12,014,137, plus strand): 5'-TCTGCTAAGGATTGAGAATTTGCCAGCAGCTTCTGGTAAGACATAGCAAATTCCTCATAC[T>C]GTTTATGTCTATCTTCACTGAGCTCCCCTTTAGAATGTAGAATGCGCCTATAAACAAATG-3'
Protein context (NP_056357.1, residues 388-408): KGELSEDRHK[Gln398Arg]YEEFAMSYQK